The following is an entry in ClinVar:

NM_032043.3(BRIP1):c.321_337del (p.Phe108fs)

Gene: BRIP1 (BRCA1 interacting DNA helicase 1; minus strand). Cytogenetic location: 17q23.2.
Variant type: Deletion.
Coding change: c.321_337del on transcript NM_032043.3 (MANE Select); coding-DNA positions 321 to 337, 17 bases deleted (TTTCAACTATCCAAGCA).
Protein change: p.Phe108fs; shifts the reading frame from phenylalanine 108.
Molecular consequence: frameshift variant.
Genome position (GRCh38, 1-based): chr17:61,857,100-61,857,116, TGCTTGGATAGTTGAAA deleted on the plus strand (TTTCAACTATCCAAGCA on the coding strand, the reverse complement: BRIP1 is on the minus strand); deleting any 17 consecutive bases within chr17:61,857,100-61,857,118 gives the same sequence; the c. name uses the placement nearest the transcript's 3' end. VCF-style (leftmost placement, unchanged base first): chr17-61857099-GTGCTTGGATAGTTGAAA-G. GRCh37 (hg19) VCF-style: chr17-59934460-GTGCTTGGATAGTTGAAA-G.
Other names: short protein forms F108fs.
Identifiers: ClinVar variation 823210 (VCV000823210.7), dbSNP rs1603366250, ClinGen allele CA915950672.

ClinVar aggregate classification (germline): Pathogenic. Review status: criteria provided, multiple submitters, no conflicts (2 of 4 stars). 2 submissions from 2 submitters: Pathogenic (2). Last evaluated 2023-11-15.

Conditions:
Familial cancer of breast. Also called: Hereditary breast cancer; hereditary breast carcinoma; BREAST CANCER, FAMILIAL. Identifiers: Orphanet 227535, MedGen C0346153, MONDO:0016419, OMIM 114480. Disease mechanism: loss of function.
Fanconi anemia complementation group J. Also called: BRIP1-Related Fanconi Anemia. Identifiers: Orphanet 84, MedGen C1836860, MONDO:0012187, OMIM 609054.
Hereditary cancer-predisposing syndrome. Also called: Hereditary Cancer Syndrome; Neoplastic Syndromes, Hereditary; Hereditary neoplastic syndrome; Tumor predisposition. Identifiers: Orphanet 140162, MedGen C0027672, MeSH D009386, MONDO:0015356.

Submissions (2):

Labcorp Genetics (formerly Invitae), Labcorp
Classification: Pathogenic for Familial cancer of breast; Fanconi anemia complementation group J. Last evaluated: 2023-11-15. Review status: criteria provided, single submitter. Criteria: Invitae Variant Classification Sherloc (09022015). Collection method: clinical testing. Allele origin: germline.
Comment: This sequence change creates a premature translational stop signal (p.Phe108Thrfs*4) in the BRIP1 gene. It is expected to result in an absent or disrupted protein product. Loss-of-function variants in BRIP1 are known to be pathogenic (PMID: 16116423, 17033622, 21964575). This variant is not present in population databases (gnomAD no frequency). This variant has not been reported in the literature in individuals affected with BRIP1-related conditions. ClinVar contains an entry for this variant (Variation ID: 823210). For these reasons, this variant has been classified as Pathogenic.

Ambry Genetics
Classification: Pathogenic for Hereditary cancer-predisposing syndrome. Last evaluated: 2019-08-12. Review status: criteria provided, single submitter. Criteria: Ambry Variant Classification Scheme 2023. Collection method: clinical testing. Allele origin: germline.
Comment: The c.321_337del17 pathogenic mutation, located in coding exon 3 of the BRIP1 gene, results from a deletion of 17 nucleotides at nucleotide positions 321 to 337, causing a translational frameshift with a predicted alternate stop codon (p.F108Tfs*4). This alteration is expected to result in loss of function by premature protein truncation or nonsense-mediated mRNA decay. As such, this alteration is interpreted as a disease-causing mutation.

Literature cited by the submitters: PubMed 16116423 (cited by Labcorp Genetics (formerly Invitae), Labcorp); PubMed 17033622 (cited by Labcorp Genetics (formerly Invitae), Labcorp); PubMed 21964575 (cited by Labcorp Genetics (formerly Invitae), Labcorp).